The following is an entry in ClinVar:

ClinVar aggregate classification (germline): Likely benign. Review status: criteria provided, multiple submitters, no conflicts (2 of 4 stars). 2 submissions from 2 submitters: Likely benign (2). Last evaluated 2023-06-08.

Conditions:
Familial thoracic aortic aneurysm and aortic dissection (TAAD). Also called: Thoracic aortic aneurysms and dissections. Identifiers: Orphanet 91387, MedGen C4707243, MONDO:0019625.
Aortic aneurysm, familial thoracic 6 (AAT6). Also called: FAMILIAL THORACIC AORTIC ANEURYSM WITH LIVEDO RETICULARIS AND IRIS FLOCCULI. Identifiers: MedGen C2673186, MONDO:0012730, OMIM 611788.

Submissions (2):

All of Us Research Program, National Institutes of Health
Classification: Likely benign for Familial thoracic aortic aneurysm and aortic dissection. Last evaluated: 2023-06-08. Review status: criteria provided, single submitter. Criteria: ACMG Guidelines, 2015. Collection method: clinical testing. Allele origin: germline. Inheritance: Autosomal dominant inheritance. Observed: 1 variant allele, 1 heterozygote.
Comment: This study involves interpretation of variants in research participants for the purpose of population health screening. Participant phenotype was not available at the time of variant classification. Additional details can be found in publication PMID: 35346344, PMCID: PMC8962531

Labcorp Genetics (formerly Invitae), Labcorp
Classification: Likely benign for Aortic aneurysm, familial thoracic 6. Last evaluated: 2021-02-03. Review status: criteria provided, single submitter. Criteria: Invitae Variant Classification Sherloc (09022015). Collection method: clinical testing. Allele origin: germline.

NM_001613.4(ACTA2):c.933T>C (p.Ile311=)

Genes: ACTA2 (actin alpha 2, smooth muscle; minus strand), ACTA2-AS1 (ACTA2 antisense RNA 1; plus strand). Cytogenetic location: 10q23.31.
Variant type: single nucleotide variant.
Coding change: c.933T>C on transcript NM_001613.4 (MANE Select); coding-DNA position 933, T replaced by C.
Protein change: p.Ile311=; no amino-acid change (isoleucine 311 retained).
Molecular consequence: synonymous variant.
Genome position (GRCh38, 1-based): chr10:88,938,118, A>G on the plus strand (T>C on the coding strand, the complement: ACTA2 is on the minus strand). VCF-style: chr10-88938118-A-G. GRCh37 (hg19) VCF-style: chr10-90697875-A-G.
Other names: c.933T>C, p.Ile311= (NM_001141945.3, NM_001320855.2, NM_001406462.1 and 2 more transcripts); c.822T>C, p.Ile274= (NM_001406466.1); c.804T>C, p.Ile268= (NM_001406467.1, NM_001406468.1, NM_001406469.1); c.741T>C, p.Ile247= (NM_001406471.1).
Identifiers: ClinVar variation 1530025 (VCV001530025.10), dbSNP rs1845778698, ClinGen allele CA470729824.